The following is an entry in ClinVar:

ClinVar aggregate classification (germline): Benign (1 of 4 stars; one submission).

Conditions:
Sessile serrated polyposis cancer syndrome (SSPCS). Identifiers: Orphanet 157798, MedGen C4310714, MONDO:0014919, OMIM 617108.

Submission:

Myriad Genetics, Inc.
Classification: Benign for Sessile serrated polyposis cancer syndrome. Last evaluated: 2026-07-02. Review status: criteria provided, single submitter. Criteria: Myriad Autosomal Dominant, Autosomal Recessive and X-Linked Classification Criteria (2023). Collection method: clinical testing. Allele origin: unknown.
Comment: This variant is considered benign. This variant occurs in the non-coding 3' untranslated region of the gene, and is not expected to impact protein function.

NM_017763.6(RNF43):c.*3T>C

Gene: RNF43 (ring finger protein 43; minus strand). Cytogenetic location: 17q22.
Variant type: single nucleotide variant.
Coding change: c.*3T>C on transcript NM_017763.6 (MANE Select); 3 bases downstream of the stop codon, T replaced by C.
Molecular consequence: 3 prime UTR variant.
Genome position (GRCh38, 1-based): chr17:58,354,940, A>G on the plus strand (T>C on the coding strand, the complement: RNF43 is on the minus strand). VCF-style: chr17-58354940-A-G. GRCh37 (hg19) VCF-style: chr17-56432301-A-G.
Other names: c.*3T>C (NM_001305544.3, NM_001305545.2, NM_001438822.1).
Identifiers: ClinVar variation 5042410 (VCV005042410.1).
Genomic context (GRCh38, chr17:58,354,940, plus strand): 5'-TGTGCCAGGTAGGGCCCAAACACATCTGGAGCACACTCTTGGTTGGAGCTAGGCCTGAAC[A>G]TCTCACACAGCCTGTTCACACAGCTCCTCGAGTTCCTCCTCTGAGCCTGTATTTAGAGAG-3'